The following is an entry in ClinVar:

NM_002025.4(AFF2):c.803A>G (p.Gln268Arg)

Gene: AFF2 (ALF transcription elongation factor 2; plus strand). Cytogenetic location: Xq28.
Variant type: single nucleotide variant.
Coding change: c.803A>G on transcript NM_002025.4 (MANE Select); coding-DNA position 803, A replaced by G.
Protein change: p.Gln268Arg; replaces glutamine 268 with arginine.
Molecular consequence: missense variant.
Genome position (GRCh38, 1-based): chrX:148,662,530, A>G. VCF-style: chrX-148662530-A-G. GRCh37 (hg19) VCF-style: chrX-147744051-A-G.
Other names: c.791A>G, p.Gln264Arg (NM_001169123.2, NM_001169125.2, NM_001169122.2); c.803A>G, p.Gln268Arg (NM_001169124.2); short protein forms Q264R, Q268R.
Identifiers: ClinVar variation 1314501 (VCV001314501.2), dbSNP rs2054318590, ClinGen allele CA414510026.
Genomic context (GRCh38, chrX:148,662,530, plus strand): 5'-CGCCTGGGTCTCCCCTAGTGGCTTCCTCTTTATTAGCTCCTAGCAGTGGCCTTTCAGTTC[A>G]AAACTTCCCACCAGGGCTTTACTGCAAAACAAGCATGGGGCAGCAAAAGCCAACTGCATA-3'
Protein context (NP_002016.2, residues 258-278): LLAPSSGLSV[Gln268Arg]NFPPGLYCKT

ClinVar aggregate classification (germline): Uncertain significance (1 of 4 stars; one submission).

Submission:

GeneDx
Classification: Uncertain significance. Last evaluated: 2021-04-07. Review status: criteria provided, single submitter. Criteria: GeneDx Variant Classification Process June 2021. Collection method: clinical testing. Allele origin: germline. Affected: yes.
Comment: Not observed in large population cohorts (Lek et al., 2016); In silico analysis supports that this missense variant has a deleterious effect on protein structure/function; Has not been previously published as pathogenic or benign to our knowledge